The following is an entry in ClinVar:

ClinVar aggregate classification (germline): Likely pathogenic (1 of 4 stars; one submission).

Conditions:
RYR1-related disorder. Also called: RYR1-related condition; RYR1-related disorders. Identifiers: MedGen CN239331.

Submission:

Labcorp Genetics (formerly Invitae), Labcorp
Classification: Likely pathogenic for RYR1-related disorder. Last evaluated: 2023-10-30. Review status: criteria provided, single submitter. Criteria: Invitae Variant Classification Sherloc (09022015). Collection method: clinical testing. Allele origin: germline.
Comment: This sequence change affects a splice site in intron 65 of the RYR1 gene. It is expected to disrupt RNA splicing. Variants that disrupt the donor or acceptor splice site typically lead to a loss of protein function (PMID: 16199547), and loss-of-function variants in RYR1 are known to be pathogenic (PMID: 23919265, 25960145, 28818389, 30611313). This variant is not present in population databases (gnomAD no frequency). This variant has not been reported in the literature in individuals affected with RYR1-related conditions. Algorithms developed to predict the effect of sequence changes on RNA splicing suggest that this variant may disrupt the consensus splice site. In summary, the currently available evidence indicates that the variant is pathogenic, but additional data are needed to prove that conclusively. Therefore, this variant has been classified as Likely Pathogenic.

Literature cited by the submitters: PubMed 16199547; PubMed 23919265; PubMed 25960145; PubMed 28818389; PubMed 30611313.

NM_000540.3(RYR1):c.9686-1del

Gene: RYR1 (ryanodine receptor 1; plus strand). Cytogenetic location: 19q13.2.
Variant type: Deletion.
Coding change: c.9686-1del on transcript NM_000540.3 (MANE Select); the canonical splice acceptor site of the intron before coding-DNA position 9686, one base deleted (G; older notation c.9686-1delG).
Molecular consequence: splice acceptor variant.
Genome position (GRCh38, 1-based): chr19:38,517,358, G deleted. VCF-style (leftmost placement, unchanged base first): chr19-38517357-AG-A. GRCh37 (hg19) VCF-style: chr19-39007997-AG-A.
Other names: c.9686-1del (NM_001042723.2).
Identifiers: ClinVar variation 2772878 (VCV002772878.3), dbSNP rs2514432160, ClinGen allele CA2697556549.
Genomic context (GRCh38, chr19:38,517,357, plus strand): 5'-CCAGGGCACTGAGGTCTGGGGGTGATGGCTTGACATTCCCTGCCCCCGTCCCTGTACCCC[AG>A]TCCTGGGGCTCCCCAACAGTGTGGAGGAGATGTGTCCCGACATCCCGGTGCTGGAGCGGC-3'